The following is an entry in ClinVar:

NM_000551.4(VHL):c.97T>G (p.Ser33Ala)

Gene: VHL (von Hippel-Lindau tumor suppressor; plus strand). Cytogenetic location: 3p25.3.
Variant type: single nucleotide variant.
Coding change: c.97T>G on transcript NM_000551.4 (MANE Select); coding-DNA position 97, T replaced by G.
Protein change: p.Ser33Ala; replaces serine 33 with alanine.
Molecular consequence: missense variant. On other transcripts: non-coding transcript variant (1).
Genome position (GRCh38, 1-based): chr3:10,141,944, T>G. VCF-style: chr3-10141944-T-G. GRCh37 (hg19) VCF-style: chr3-10183628-T-G.
Other names: c.97T>G, p.Ser33Ala (NM_001354723.2, NM_198156.3); short protein forms S33A.
Identifiers: ClinVar variation 2561024 (VCV002561024.6), dbSNP rs868726923, ClinGen allele CA70042266.

ClinVar aggregate classification (germline): Conflicting classifications of pathogenicity. Review status: criteria provided, conflicting classifications (1 of 4 stars). 2 submissions from 2 submitters: Uncertain significance (1); Likely benign (1). Last evaluated 2026-05-15.

Conditions:
Hereditary cancer-predisposing syndrome. Also called: Neoplastic Syndromes, Hereditary; Tumor predisposition; Hereditary Cancer Syndrome; Hereditary neoplastic syndrome. Identifiers: Orphanet 140162, MedGen C0027672, MeSH D009386, MONDO:0015356.
Von Hippel-Lindau syndrome (VHLS). Also called: von Hippel–Lindau syndrome; VHL syndrome; Von Hippel-Lindau. Identifiers: Orphanet 892, MedGen C0019562, MONDO:0008667, OMIM 193300. Disease mechanism: loss of function.
Chuvash polycythemia. Also called: POLYCYTHEMIA, VHL-DEPENDENT. Identifiers: Orphanet 238557, MedGen C1837915, MONDO:0009892, OMIM 263400.

Allele frequency attached by ClinVar (database versions not stated): gnomAD exomes 0.00001.

Submissions (2):

Ambry Genetics
Classification: Likely benign for Hereditary cancer-predisposing syndrome. Last evaluated: 2026-05-15. Review status: criteria provided, single submitter. Criteria: Ambry Variant Classification Scheme 2023. Collection method: clinical testing. Allele origin: germline.

Labcorp Genetics (formerly Invitae), Labcorp
Classification: Uncertain significance for Von Hippel-Lindau syndrome; Chuvash polycythemia. Last evaluated: 2023-07-14. Review status: criteria provided, single submitter. Criteria: Invitae Variant Classification Sherloc (09022015). Collection method: clinical testing. Allele origin: germline.
Comment: In summary, the available evidence is currently insufficient to determine the role of this variant in disease. Therefore, it has been classified as a Variant of Uncertain Significance. Advanced modeling of protein sequence and biophysical properties (such as structural, functional, and spatial information, amino acid conservation, physicochemical variation, residue mobility, and thermodynamic stability) performed at Invitae indicates that this missense variant is not expected to disrupt VHL protein function. This variant has not been reported in the literature in individuals affected with VHL-related conditions. This variant is not present in population databases (gnomAD no frequency). This sequence change replaces serine, which is neutral and polar, with alanine, which is neutral and non-polar, at codon 33 of the VHL protein (p.Ser33Ala).